The following is an entry in ClinVar:

NM_014956.5(CEP164):c.1259C>T (p.Ser420Leu)

Gene: CEP164 (centrosomal protein 164; plus strand). Cytogenetic location: 11q23.3.
Variant type: single nucleotide variant.
Coding change: c.1259C>T on transcript NM_014956.5 (MANE Select); coding-DNA position 1259, C replaced by T.
Protein change: p.Ser420Leu; replaces serine 420 with leucine.
Molecular consequence: missense variant.
Genome position (GRCh38, 1-based): chr11:117,375,733, C>T. VCF-style: chr11-117375733-C-T. GRCh37 (hg19) VCF-style: chr11-117246449-C-T.
Other names: c.1259C>T (NM_014956.4); c.1259C>T, p.Ser420Leu (NM_001271933.2); short protein forms S420L.
Identifiers: ClinVar variation 1351366 (VCV001351366.7), dbSNP rs1324951273, ClinGen allele CA382740120.

ClinVar aggregate classification (germline): Uncertain significance. Review status: criteria provided, multiple submitters, no conflicts (2 of 4 stars). 4 submissions from 4 submitters: Uncertain significance (3). 1 of the submissions does not count toward it. Last evaluated 2024-05-13.

Conditions:
Nephronophthisis 15 (NPHP15). Identifiers: Orphanet 3156, MedGen C3541853, MONDO:0013917, OMIM 614845.
CEP164-related disorder. Also called: CEP164-related condition.

Allele frequency attached by ClinVar (database versions not stated): gnomAD 0.00001; gnomAD exomes 0.00001 and 0.00002; TOPMed 0.00002.
gnomAD v4.1: 32 of 1,613,964 alleles (0.002%); highest among the groups gnomAD compares: Non-Finnish European, 0.0024%; no homozygotes.

Submissions (4):

Blueprint Genetics
Classification: Uncertain significance. Last evaluated: 2024-05-13. Review status: criteria provided, single submitter. Criteria: ACMG Guidelines, 2015. Collection method: clinical testing. Allele origin: germline.

Labcorp Genetics (formerly Invitae), Labcorp
Classification: Uncertain significance for Nephronophthisis 15. Last evaluated: 2022-08-08. Review status: criteria provided, single submitter. Criteria: Invitae Variant Classification Sherloc (09022015). Collection method: clinical testing. Allele origin: germline.
Comment: In summary, the available evidence is currently insufficient to determine the role of this variant in disease. Therefore, it has been classified as a Variant of Uncertain Significance. Algorithms developed to predict the effect of missense changes on protein structure and function output the following: SIFT: "Deleterious"; PolyPhen-2: "Benign"; Align-GVGD: "Class C65". The leucine amino acid residue is found in multiple mammalian species, which suggests that this missense change does not adversely affect protein function. ClinVar contains an entry for this variant (Variation ID: 1351366). This variant has not been reported in the literature in individuals affected with CEP164-related conditions. This variant is present in population databases (no rsID available, gnomAD 0.002%). This sequence change replaces serine, which is neutral and polar, with leucine, which is neutral and non-polar, at codon 420 of the CEP164 protein (p.Ser420Leu).

Fulgent Genetics
Classification: Uncertain significance for Nephronophthisis 15. Last evaluated: 2021-12-02. Review status: criteria provided, single submitter. Criteria: ACMG Guidelines, 2015. Collection method: clinical testing. Allele origin: unknown.

PreventionGenetics, part of Exact Sciences
Classification: Uncertain significance for CEP164-related condition. Last evaluated: 2024-09-01. Review status: no assertion criteria provided. Collection method: clinical testing. Allele origin: germline. Not counted in ClinVar's aggregate classification.
Comment: The CEP164 c.1259C>T variant is predicted to result in the amino acid substitution p.Ser420Leu. To our knowledge, this variant has not been reported in the literature. This variant is reported in 0.0018% of alleles in individuals of European (Non-Finnish) descent in gnomAD. At this time, the clinical significance of this variant is uncertain due to the absence of conclusive functional and genetic evidence.